The following is an entry in ClinVar:

NM_147127.5(EVC2):c.1427C>T (p.Ala476Val)

Genes: EVC2 (EvC ciliary complex subunit 2; minus strand), LOC126806961 (BRD4-independent group 4 enhancer GRCh37_chr4:5641443-5642642; plus strand). Cytogenetic location: 4p16.2.
Variant type: single nucleotide variant.
Coding change: c.1427C>T on transcript NM_147127.5 (MANE Select); coding-DNA position 1427, C replaced by T.
Protein change: p.Ala476Val; replaces alanine 476 with valine.
Molecular consequence: missense variant.
Genome position (GRCh38, 1-based): chr4:5,640,557, G>A on the plus strand (C>T on the coding strand, the complement: EVC2 is on the minus strand). VCF-style: chr4-5640557-G-A. GRCh37 (hg19) VCF-style: chr4-5642284-G-A.
Other names: c.1187C>T, p.Ala396Val (NM_001166136.2); short protein forms A396V, A476V.
Identifiers: ClinVar variation 1512304 (VCV001512304.6), dbSNP rs774347118, ClinGen allele CA2835071.

ClinVar aggregate classification (germline): Uncertain significance (1 of 4 stars; one submission).

Conditions:
Curry-Hall syndrome (WAD). Also called: WEYERS ACRODENTAL DYSOSTOSIS. Identifiers: Orphanet 952, MedGen C0457013, MONDO:0008673, OMIM 193530.
Ellis-van Creveld syndrome (EVC). Also called: Chondroectodermal dysplasia; EVC-Related Ellis-van Creveld Syndrome; EVC2-Related Ellis-van Creveld Syndrome; MESOECTODERMAL DYSPLASIA. Identifiers: Orphanet 289, MedGen C0013903, MONDO:0009162, OMIM 225500.

Allele frequency attached by ClinVar (database versions not stated): gnomAD exomes below 0.00001 and 0.00001; gnomAD 0.00001; TOPMed 0.00001; ExAC 0.00002.
gnomAD v4.1: 3 of 1,613,980 alleles (0.00019%); highest among the groups gnomAD compares: East Asian, 0.0022%; no homozygotes.

Submission:

Labcorp Genetics (formerly Invitae), Labcorp
Classification: Uncertain significance for Curry-Hall syndrome; Ellis-van Creveld syndrome. Last evaluated: 2021-08-31. Review status: criteria provided, single submitter. Criteria: Invitae Variant Classification Sherloc (09022015). Collection method: clinical testing. Allele origin: germline.
Comment: This sequence change replaces alanine with valine at codon 476 of the EVC2 protein (p.Ala476Val). The alanine residue is highly conserved and there is a small physicochemical difference between alanine and valine. This variant is present in population databases (rs774347118, ExAC 0.01%). This variant has not been reported in the literature in individuals affected with EVC2-related conditions. Algorithms developed to predict the effect of missense changes on protein structure and function are either unavailable or do not agree on the potential impact of this missense change (SIFT: "Deleterious"; PolyPhen-2: "Probably Damaging"; Align-GVGD: "Class C0"). Algorithms developed to predict the effect of sequence changes on RNA splicing suggest that this variant may create or strengthen a splice site. In summary, the available evidence is currently insufficient to determine the role of this variant in disease. Therefore, it has been classified as a Variant of Uncertain Significance.